The following is an entry in ClinVar:

ClinVar aggregate classification (germline): Uncertain significance. Review status: criteria provided, multiple submitters, no conflicts (2 of 4 stars). 2 submissions from 2 submitters: Uncertain significance (2). Last evaluated 2025-04-07.

Conditions:
Inborn genetic diseases. Identifiers: MedGen C0950123, MeSH D030342.
Neuropathy, hereditary sensory and autonomic, type 2A (HSAN2A). Also called: MORVAN DISEASE; NEUROPATHY, CONGENITAL SENSORY; NEUROPATHY, HEREDITARY SENSORY RADICULAR, AUTOSOMAL RECESSIVE; NEUROPATHY, HEREDITARY SENSORY, TYPE IIA; NEUROPATHY, PROGRESSIVE SENSORY, OF CHILDREN; ACROOSTEOLYSIS, GIACCAI TYPE. Identifiers: Orphanet 970, MedGen C2752089, MONDO:0024309, OMIM 201300.
Pseudohypoaldosteronism type 2C (PHA2C). Also called: Pseudohypoaldosteronism Type IIC. Identifiers: Orphanet 757, Orphanet 88940, MedGen C1840391, MONDO:0013778, OMIM 614492.

gnomAD v4.1: 8 of 1,614,124 alleles (0.0005%); highest among the groups gnomAD compares: South Asian, 0.0088%; no homozygotes.

Submissions (2):

Labcorp Genetics (formerly Invitae), Labcorp
Classification: Uncertain significance for Neuropathy, hereditary sensory and autonomic, type 2A; Pseudohypoaldosteronism type 2C. Last evaluated: 2025-04-07. Review status: criteria provided, single submitter. Criteria: Invitae Variant Classification Sherloc (09022015). Collection method: clinical testing. Allele origin: germline.
Comment: This sequence change replaces proline, which is neutral and non-polar, with arginine, which is basic and polar, at codon 1651 of the WNK1 protein (p.Pro1651Arg). This variant is present in population databases (rs777860000, gnomAD 0.01%). This variant has not been reported in the literature in individuals affected with WNK1-related conditions. ClinVar contains an entry for this variant (Variation ID: 1744339). Invitae Evidence Modeling of protein sequence and biophysical properties (such as structural, functional, and spatial information, amino acid conservation, physicochemical variation, residue mobility, and thermodynamic stability) indicates that this missense variant is not expected to disrupt WNK1 protein function with a negative predictive value of 95%. In summary, the available evidence is currently insufficient to determine the role of this variant in disease. Therefore, it has been classified as a Variant of Uncertain Significance.

Ambry Genetics
Classification: Uncertain significance for Inborn genetic diseases. Last evaluated: 2020-12-31. Review status: criteria provided, single submitter. Criteria: Ambry Variant Classification Scheme 2023. Collection method: clinical testing. Allele origin: germline.
Comment: The p.P1651R variant (also known as c.4952C>G), located in coding exon 19 of the WNK1 gene, results from a C to G substitution at nucleotide position 4952. The proline at codon 1651 is replaced by arginine, an amino acid with dissimilar properties. This amino acid position is not well conserved in available vertebrate species. In addition, this alteration is predicted to be tolerated by in silico analysis. Since supporting evidence is limited at this time, the clinical significance of this alteration remains unclear.

NM_018979.4(WNK1):c.4196C>G (p.Pro1399Arg)

Gene: WNK1 (WNK lysine deficient protein kinase 1; plus strand). Cytogenetic location: 12p13.33.
Variant type: single nucleotide variant.
Coding change: c.4196C>G on transcript NM_018979.4 (MANE Select); coding-DNA position 4196, C replaced by G.
Protein change: p.Pro1399Arg; replaces proline 1399 with arginine.
Molecular consequence: missense variant.
Genome position (GRCh38, 1-based): chr12:885,000, C>G. VCF-style: chr12-885000-C-G. GRCh37 (hg19) VCF-style: chr12-994166-C-G.
Other names: c.4976C>G, p.Pro1659Arg (NM_001184985.2); c.3455C>G, p.Pro1152Arg (NM_014823.3); c.4952C>G, p.Pro1651Arg (NM_213655.5); short protein forms P1152R, P1651R, P1659R, P1399R.
Identifiers: ClinVar variation 1744339 (VCV001744339.7), dbSNP rs777860000, ClinGen allele CA6382931.